The following is an entry in ClinVar:

NM_000337.6(SGCD):c.*6717G>A

Gene: SGCD (sarcoglycan delta; plus strand). Cytogenetic location: 5q33.3.
Variant type: single nucleotide variant.
Coding change: c.*6717G>A on transcript NM_000337.6 (MANE Select); 6717 bases downstream of the stop codon, G replaced by A.
Molecular consequence: 3 prime UTR variant.
Genome position (GRCh38, 1-based): chr5:156,766,107, G>A. VCF-style: chr5-156766107-G-A. GRCh37 (hg19) VCF-style: chr5-156193118-G-A.
Other names: c.*6717G>A (NM_001128209.2).
Identifiers: ClinVar variation 352430 (VCV000352430.8), dbSNP rs1827368, ClinGen allele CA10623919.

ClinVar aggregate classification (germline): Benign. Review status: criteria provided, multiple submitters, no conflicts (2 of 4 stars). 4 submissions from 3 submitters: Benign (4). Last evaluated 2023-02-08.

Conditions:
Qualitative or quantitative defects of delta-sarcoglycan. Identifiers: Orphanet 207070, MedGen C5680806, MONDO:0016144.
Autosomal recessive limb-girdle muscular dystrophy type 2F (LGMDR6). Also called: MUSCULAR DYSTROPHY, LIMB-GIRDLE, AUTOSOMAL RECESSIVE 6; Muscular dystrophy limb-girdle with delta-sarcoglyan deficiency. Identifiers: Orphanet 219, MedGen C1832525, MONDO:0011028, OMIM 601287. Disease mechanism: Affects gamma-sarcoglycan and also disrupts the integrity of the entire sarcoglycan complex..
Dilated cardiomyopathy 1L (CMD1L). Identifiers: Orphanet 154, MedGen C1847667, MONDO:0011702, OMIM 606685.

Allele frequency attached by ClinVar (database versions not stated): gnomAD 0.90091 and 0.90216; TOPMed 0.90783; 1000 Genomes Project 0.92712; 1000 Genomes Project 30x 0.92911.

Submissions (4):

Genome-Nilou Lab
Classification: Benign for Autosomal recessive limb-girdle muscular dystrophy type 2F. Last evaluated: 2023-02-08. Review status: criteria provided, single submitter. Criteria: ACMG Guidelines, 2015. Collection method: clinical testing. Allele origin: germline.

Genome-Nilou Lab
Classification: Benign for Dilated cardiomyopathy 1L. Last evaluated: 2023-02-08. Review status: criteria provided, single submitter. Criteria: ACMG Guidelines, 2015. Collection method: clinical testing. Allele origin: germline.

GeneDx
Classification: Benign. Last evaluated: 2021-05-14. Review status: criteria provided, single submitter. Criteria: GeneDx Variant Classification Process June 2021. Collection method: clinical testing. Allele origin: germline. Affected: yes.

Illumina Laboratory Services, Illumina
Classification: Benign for Qualitative or quantitative defects of delta-sarcoglycan. Last evaluated: 2018-01-12. Review status: criteria provided, single submitter. Criteria: ICSL Variant Classification Criteria 13 December 2019. Collection method: clinical testing. Allele origin: germline.
Comment: This variant was observed in the ICSL laboratory as part of a predisposition screen in an ostensibly healthy population. It had not been previously curated by ICSL or reported in the Human Gene Mutation Database (HGMD: prior to June 1st, 2018), and was therefore a candidate for classification through an automated scoring system. Utilizing variant allele frequency, disease prevalence and penetrance estimates, and inheritance mode, an automated score was calculated to assess if this variant is too frequent to cause the disease. Based on the score and internal cut-off values, a variant classified as benign is not then subjected to further curation. The score for this variant resulted in a classification of benign for this disease.